The following is an entry in ClinVar:

ClinVar aggregate classification (germline): Likely benign. Review status: criteria provided, multiple submitters, no conflicts (2 of 4 stars). 2 submissions from 2 submitters: Likely benign (2). Last evaluated 2025-10-01.

Conditions:
GM3 synthase deficiency (SPDRS). Also called: SALT AND PEPPER MENTAL RETARDATION SYNDROME; SALT AND PEPPER DEVELOPMENTAL REGRESSION SYNDROME; AMISH INFANTILE EPILEPSY SYNDROME. Identifiers: Orphanet 171714, Orphanet 370933, MedGen C1836824, MONDO:0018274, OMIM 609056.

Allele frequency attached by ClinVar (database versions not stated): TOPMed 0.00001; gnomAD exomes 0.00002 and 0.00003; ExAC 0.00004.
gnomAD v4.1: 23 of 1,614,164 alleles (0.0014%); highest among the groups gnomAD compares: South Asian, 0.021%; no homozygotes.

Submissions (2):

CeGaT Center for Human Genetics Tuebingen
Classification: Likely benign. Last evaluated: 2025-10-01. Review status: criteria provided, single submitter. Criteria: CeGaT Center For Human Genetics Tuebingen Variant Classification Criteria Version 2. Collection method: clinical testing. Allele origin: germline. Affected: yes. Observed: 1 variant allele.
Comment: ST3GAL5: BP4, BP7

Labcorp Genetics (formerly Invitae), Labcorp
Classification: Likely benign for GM3 synthase deficiency. Last evaluated: 2024-01-18. Review status: criteria provided, single submitter. Criteria: Invitae Variant Classification Sherloc (09022015). Collection method: clinical testing. Allele origin: germline.

NM_003896.4(ST3GAL5):c.426C>G (p.Leu142=)

Gene: ST3GAL5 (ST3 beta-galactoside alpha-2,3-sialyltransferase 5; minus strand). Cytogenetic location: 2p11.2.
Variant type: single nucleotide variant.
Coding change: c.426C>G on transcript NM_003896.4 (MANE Select); coding-DNA position 426, C replaced by G.
Protein change: p.Leu142=; no amino-acid change (leucine 142 retained).
Molecular consequence: synonymous variant. On other transcripts: 5 prime UTR variant (1).
Genome position (GRCh38, 1-based): chr2:85,848,097, G>C on the plus strand (C>G on the coding strand, the complement: ST3GAL5 is on the minus strand). VCF-style: chr2-85848097-G-C. GRCh37 (hg19) VCF-style: chr2-86075220-G-C.
Other names: c.357C>G, p.Leu119= (NM_001042437.2); c.42C>G, p.Leu14= (NM_001354223.2, NM_001354224.2, NM_001354226.2 and 3 more transcripts); c.342C>G, p.Leu114= (NM_001354227.2, NM_001354229.2, NM_001354238.1); c.-479C>G (NM_001354247.1); c.426C>G, p.Leu142= (NM_001363847.1).
Identifiers: ClinVar variation 697541 (VCV000697541.17), dbSNP rs775530516, ClinGen allele CA1745039.
Genomic context (GRCh38, chr2:85,848,097, plus strand): 5'-AAAAGGAGGATCGTACTTGGACTCAGCTTCACTGTCTTTGGGGGCCTTCTGCACAAAAGG[G>C]AGTAAGTCCACGCTATACCTGTGCTCAAATAACAGCGCCATTGATGTCTTGGCAAACTTG-3'
Protein context (NP_003887.3, residues 132-152): LFEHRYSVDL[Leu142=]PFVQKAPKDS